The following is an entry in ClinVar:

ClinVar aggregate classification (germline): Uncertain significance. Review status: criteria provided, multiple submitters, no conflicts (2 of 4 stars). 5 submissions from 5 submitters: Uncertain significance (2). 3 of the submissions do not count toward it. Last evaluated 2022-08-21.

Conditions:
Charcot-Marie-Tooth disease axonal type 2T. Identifiers: Orphanet 443950, MedGen C4015635, OMIM 617017, MONDO:0014866.
MME-related disorder. Also called: MME-related condition.

Allele frequency attached by ClinVar (database versions not stated): gnomAD exomes 0.00002; ExAC 0.00004; gnomAD 0.00002; TOPMed 0.00004.
gnomAD v4.1: 85 of 1,613,880 alleles (0.0053%); highest among the groups gnomAD compares: Non-Finnish European, 0.0069%; no homozygotes.

Submissions (5):

Labcorp Genetics (formerly Invitae), Labcorp
Classification: Uncertain significance. Last evaluated: 2022-08-21. Review status: criteria provided, single submitter. Criteria: Invitae Variant Classification Sherloc (09022015). Collection method: clinical testing. Allele origin: germline.
Comment: This sequence change replaces arginine, which is basic and polar, with cysteine, which is neutral and slightly polar, at codon 103 of the MME protein (p.Arg103Cys). This variant is present in population databases (rs765422392, gnomAD 0.004%). This variant has not been reported in the literature in individuals affected with MME-related conditions. ClinVar contains an entry for this variant (Variation ID: 982975). Algorithms developed to predict the effect of missense changes on protein structure and function are either unavailable or do not agree on the potential impact of this missense change (SIFT: "Tolerated"; PolyPhen-2: "Probably Damaging"; Align-GVGD: "Class C0"). In summary, the available evidence is currently insufficient to determine the role of this variant in disease. Therefore, it has been classified as a Variant of Uncertain Significance.

Institute of Human Genetics, University of Leipzig Medical Center
Classification: Uncertain significance for Charcot-Marie-Tooth disease axonal type 2T. Last evaluated: 2020-09-04. Review status: criteria provided, single submitter. Criteria: ACMG Guidelines, 2015. Collection method: clinical testing. Allele origin: unknown. Affected: yes.

PreventionGenetics, part of Exact Sciences
Classification: Uncertain significance for MME-related condition. Last evaluated: 2024-09-15. Review status: no assertion criteria provided. Collection method: clinical testing. Allele origin: germline. Not counted in ClinVar's aggregate classification.
Comment: The MME c.307C>T variant is predicted to result in the amino acid substitution p.Arg103Cys. To our knowledge, this variant has not been reported in the literature. This variant is reported in 0.0046% of alleles in individuals of European (Finnish) descent in gnomAD. At this time, the clinical significance of this variant is uncertain due to the absence of conclusive functional and genetic evidence.

Clinical Genetics DNA and cytogenetics Diagnostics Lab, Erasmus MC, Erasmus Medical Center
Classification: Uncertain significance. Review status: no assertion criteria provided. Collection method: clinical testing. Allele origin: germline. Affected: yes. Study: VKGL Data-share Consensus. Not counted in ClinVar's aggregate classification.

Clinical Genetics, Academic Medical Center
Classification: Uncertain significance. Review status: no assertion criteria provided. Collection method: clinical testing. Allele origin: germline. Affected: yes. Study: VKGL Data-share Consensus. Not counted in ClinVar's aggregate classification.

NM_007289.4(MME):c.307C>T (p.Arg103Cys)

Gene: MME (membrane metalloendopeptidase; plus strand). Cytogenetic location: 3q25.2.
Variant type: single nucleotide variant.
Coding change: c.307C>T on transcript NM_007289.4 (MANE Select); coding-DNA position 307, C replaced by T.
Protein change: p.Arg103Cys; replaces arginine 103 with cysteine.
Molecular consequence: missense variant.
Genome position (GRCh38, 1-based): chr3:155,115,104, C>T. VCF-style: chr3-155115104-C-T. GRCh37 (hg19) VCF-style: chr3-154832893-C-T.
Other names: c.307C>T, p.Arg103Cys (NM_000902.5, NM_001354642.2, NM_001354643.1 and 2 more transcripts); c.307C>T (NM_007289.2); short protein forms R103C.
Identifiers: ClinVar variation 982975 (VCV000982975.9), dbSNP rs765422392, ClinGen allele CA2675100.